The following is an entry in ClinVar:

ClinVar aggregate classification (germline): Uncertain significance (1 of 4 stars; one submission).

Conditions:
Multiple epiphyseal dysplasia type 4 (EDM4). Also called: SLC26A2-Related Multiple Epiphyseal Dysplasia; Multiple Epiphyseal Dysplasia, Recessive; MULTIPLE EPIPHYSEAL DYSPLASIA WITH BILAYERED PATELLAE; MULTIPLE EPIPHYSEAL DYSPLASIA WITH CLUBFOOT; MULTIPLE EPIPHYSEAL DYSPLASIA, AUTOSOMAL RECESSIVE. Identifiers: Orphanet 93307, MedGen C1847593, MONDO:0009189, OMIM 226900.
Diastrophic dysplasia (DTD). Also called: Diastrophic dwarfism. Identifiers: Orphanet 628, MedGen C0220726, MONDO:0009107, OMIM 222600.
Achondrogenesis, type IB (ACG1B). Also called: Achondrogenesis Type 1B. Identifiers: Orphanet 932, Orphanet 93298, MedGen C0265274, MONDO:0010966, OMIM 600972.
Atelosteogenesis type II (AO2). Also called: NEONATAL OSSEOUS DYSPLASIA I; Neonatal osseous dysplasia 1; SLC26A2-Related Atelosteogenesis. Identifiers: Orphanet 56304, MedGen C1850554, MONDO:0009727, OMIM 256050.

gnomAD v4.1: 15 of 1,614,214 alleles (0.00093%); highest among the groups gnomAD compares: African/African-American, 0.02%; no homozygotes.

Submission:

Labcorp Genetics (formerly Invitae), Labcorp
Classification: Uncertain significance for Atelosteogenesis type II; Multiple epiphyseal dysplasia type 4; Achondrogenesis, type IB; Diastrophic dysplasia. Last evaluated: 2025-06-13. Review status: criteria provided, single submitter. Criteria: Invitae Variant Classification Sherloc (09022015). Collection method: clinical testing. Allele origin: germline.
Comment: This sequence change replaces methionine, which is neutral and non-polar, with threonine, which is neutral and polar, at codon 519 of the SLC26A2 protein (p.Met519Thr). The frequency data for this variant in the population databases is considered unreliable, as metrics indicate poor data quality at this position in the gnomAD database. This variant has not been reported in the literature in individuals affected with SLC26A2-related conditions. Invitae Evidence Modeling of protein sequence and biophysical properties (such as structural, functional, and spatial information, amino acid conservation, physicochemical variation, residue mobility, and thermodynamic stability) indicates that this missense variant is not expected to disrupt SLC26A2 protein function with a negative predictive value of 80%. In summary, the available evidence is currently insufficient to determine the role of this variant in disease. Therefore, it has been classified as a Variant of Uncertain Significance.

NM_000112.4(SLC26A2):c.1556T>C (p.Met519Thr)

Gene: SLC26A2 (solute carrier family 26 member 2; plus strand). Cytogenetic location: 5q32.
Variant type: single nucleotide variant.
Coding change: c.1556T>C on transcript NM_000112.4 (MANE Select); coding-DNA position 1556, T replaced by C.
Protein change: p.Met519Thr; replaces methionine 519 with threonine.
Molecular consequence: missense variant.
Genome position (GRCh38, 1-based): chr5:149,981,149, T>C. VCF-style: chr5-149981149-T-C. GRCh37 (hg19) VCF-style: chr5-149360712-T-C.
Other names: short protein forms M519T.
Identifiers: ClinVar variation 4790965 (VCV004790965.1).